The following is an entry in ClinVar:

NM_001753.5(CAV1):c.224C>T (p.Pro75Leu)

Gene: CAV1 (caveolin 1; plus strand). Cytogenetic location: 7q31.2.
Variant type: single nucleotide variant.
Coding change: c.224C>T on transcript NM_001753.5 (MANE Select); coding-DNA position 224, C replaced by T.
Protein change: p.Pro75Leu; replaces proline 75 with leucine.
Molecular consequence: missense variant.
Genome position (GRCh38, 1-based): chr7:116,558,974, C>T. VCF-style: chr7-116558974-C-T. GRCh37 (hg19) VCF-style: chr7-116199028-C-T.
Other names: c.131C>T, p.Pro44Leu (NM_001172895.1, NM_001172896.2, NM_001172897.2); short protein forms P44L, P75L.
Identifiers: ClinVar variation 5033710 (VCV005033710.1).

ClinVar aggregate classification (germline): Uncertain significance (1 of 4 stars; one submission).

Conditions:
Inborn genetic diseases. Identifiers: MedGen C0950123, MeSH D030342.

Submission:

Ambry Genetics
Classification: Uncertain significance for Inborn genetic diseases. Last evaluated: 2026-08-29. Review status: criteria provided, single submitter. Criteria: Ambry Variant Classification Scheme 2023. Collection method: clinical testing. Allele origin: germline.
Comment: The p.P75L variant (also known as c.224C>T), located in coding exon 3 of the CAV1 gene, results from a C to T substitution at nucleotide position 224. The proline at codon 75 is replaced by leucine, an amino acid with similar properties. This amino acid position is conserved. In addition, this alteration is predicted to be deleterious by in silico analysis. Based on the available evidence, the clinical significance of this variant remains unclear.